The following is an entry in ClinVar:

ClinVar aggregate classification (germline): Uncertain significance. Review status: criteria provided, multiple submitters, no conflicts (2 of 4 stars). 2 submissions from 2 submitters: Uncertain significance (2). Last evaluated 2025-12-30.

Conditions:
Inborn genetic diseases. Identifiers: MedGen C0950123, MeSH D030342.
MHC class II deficiency. Also called: BLS, TYPE II; Bare lymphocyte syndrome 2. Identifiers: Orphanet 572, MedGen C5447452, MONDO:0008855.

Allele frequency attached by ClinVar (database versions not stated): ExAC 0.00001; gnomAD exomes 0.00001; TOPMed 0.00001.
gnomAD v4.1: 10 of 1,614,190 alleles (0.00062%); highest among the groups gnomAD compares: South Asian, 0.0011%; no homozygotes.

Submissions (2):

Labcorp Genetics (formerly Invitae), Labcorp
Classification: Uncertain significance for MHC class II deficiency. Last evaluated: 2025-12-30. Review status: criteria provided, single submitter. Criteria: Invitae Variant Classification Sherloc (09022015). Collection method: clinical testing. Allele origin: germline.
Comment: This sequence change replaces aspartic acid, which is acidic and polar, with asparagine, which is neutral and polar, at codon 891 of the CIITA protein (p.Asp891Asn). This variant is present in population databases (rs745913823, gnomAD 0.003%). This variant has not been reported in the literature in individuals affected with CIITA-related conditions. ClinVar contains an entry for this variant (Variation ID: 1384348). An algorithm developed to predict the effect of missense changes on protein structure and function (PolyPhen-2) suggests that this variant is likely to be disruptive. In summary, the available evidence is currently insufficient to determine the role of this variant in disease. Therefore, it has been classified as a Variant of Uncertain Significance.

Ambry Genetics
Classification: Uncertain significance for Inborn genetic diseases. Last evaluated: 2025-08-13. Review status: criteria provided, single submitter. Criteria: Ambry Variant Classification Scheme 2023. Collection method: clinical testing. Allele origin: germline.

NM_000246.4(CIITA):c.2671G>A (p.Asp891Asn)

Gene: CIITA (class II major histocompatibility complex transactivator; plus strand). Cytogenetic location: 16p13.13.
Variant type: single nucleotide variant.
Coding change: c.2671G>A on transcript NM_000246.4 (MANE Select); coding-DNA position 2671, G replaced by A.
Protein change: p.Asp891Asn; replaces aspartic acid 891 with asparagine.
Molecular consequence: missense variant.
Genome position (GRCh38, 1-based): chr16:10,909,042, G>A. VCF-style: chr16-10909042-G-A. GRCh37 (hg19) VCF-style: chr16-11002899-G-A.
Other names: c.2674G>A, p.Asp892Asn (NM_001286402.1, NM_001379332.1); c.919G>A, p.Asp307Asn (NM_001286403.2); c.2527G>A, p.Asp843Asn (NM_001379330.1); c.2524G>A, p.Asp842Asn (NM_001379331.1); c.2671G>A, p.Asp891Asn (NM_001379333.1); c.2602G>A, p.Asp868Asn (NM_001379334.1); c.2671G>A (NM_000246.3); short protein forms D307N, D868N, D891N, D842N, D843N, D892N.
Identifiers: ClinVar variation 1384348 (VCV001384348.7), dbSNP rs745913823, ClinGen allele CA7900463.